The following is an entry in ClinVar:

NM_001369.3(DNAH5):c.13775G>A (p.Arg4592Gln)

Gene: DNAH5 (dynein axonemal heavy chain 5; minus strand). Cytogenetic location: 5p15.2.
Variant type: single nucleotide variant.
Coding change: c.13775G>A on transcript NM_001369.3 (MANE Select); coding-DNA position 13775, G replaced by A.
Protein change: p.Arg4592Gln; replaces arginine 4592 with glutamine.
Molecular consequence: missense variant.
Genome position (GRCh38, 1-based): chr5:13,692,084, C>T on the plus strand (G>A on the coding strand, the complement: DNAH5 is on the minus strand). VCF-style: chr5-13692084-C-T. GRCh37 (hg19) VCF-style: chr5-13692193-C-T.
Other names: short protein forms R4592Q.
Identifiers: ClinVar variation 238964 (VCV000238964.22), dbSNP rs367709427, ClinGen allele CA3201244.

ClinVar aggregate classification (germline): Conflicting classifications of pathogenicity. Review status: criteria provided, conflicting classifications (1 of 4 stars). 7 submissions from 7 submitters: Likely pathogenic (1); Uncertain significance (4). 2 of the submissions do not count toward it. Last evaluated 2026-02-24.

Conditions:
Primary ciliary dyskinesia. Also called: Ciliary dyskinesia. Identifiers: Orphanet 244, MedGen C0008780, MONDO:0016575, HP:0012265.
Primary ciliary dyskinesia 3. Identifiers: Orphanet 244, MedGen C1837618, MONDO:0012085, OMIM 608644.

Allele frequency attached by ClinVar (database versions not stated): gnomAD 0.00013 and 0.00014; ESP Exome Variant Server 0.00015; TOPMed 0.00018.
gnomAD v4.1: 386 of 1,613,874 alleles (0.024%); highest among the groups gnomAD compares: Non-Finnish European, 0.032%; no homozygotes.

Submissions (7):

GeneDx
Classification: Uncertain significance. Last evaluated: 2026-02-24. Review status: criteria provided, single submitter. Criteria: GeneDx Variant Classification Process June 2021. Collection method: clinical testing. Allele origin: germline.
Comment: In silico analysis supports that this missense variant has a deleterious effect on protein structure/function; Has not been previously published as pathogenic or benign to our knowledge

Labcorp Genetics (formerly Invitae), Labcorp
Classification: Likely pathogenic for Primary ciliary dyskinesia. Last evaluated: 2025-11-11. Review status: criteria provided, single submitter. Criteria: Invitae Variant Classification Sherloc (09022015). Collection method: clinical testing. Allele origin: germline.
Comment: This sequence change replaces arginine, which is basic and polar, with glutamine, which is neutral and polar, at codon 4592 of the DNAH5 protein (p.Arg4592Gln). This variant is present in population databases (rs367709427, gnomAD 0.03%). This missense change has been observed in individual(s) with clinical features of DNAH5-related conditions (internal data). ClinVar contains an entry for this variant (Variation ID: 238964). Invitae Evidence Modeling of protein sequence and biophysical properties (such as structural, functional, and spatial information, amino acid conservation, physicochemical variation, residue mobility, and thermodynamic stability) has been performed for this missense variant. However, the output from this modeling did not meet the statistical confidence thresholds required to predict the impact of this variant on DNAH5 protein function. In summary, the currently available evidence indicates that the variant is pathogenic, but additional data are needed to prove that conclusively. Therefore, this variant has been classified as Likely Pathogenic.

Blueprint Genetics
Classification: Uncertain significance. Last evaluated: 2024-10-09. Review status: criteria provided, single submitter. Criteria: ACMG Guidelines, 2015. Collection method: clinical testing. Allele origin: germline.

Illumina Laboratory Services, Illumina
Classification: Uncertain significance for Primary ciliary dyskinesia 3. Last evaluated: 2018-01-13. Review status: criteria provided, single submitter. Criteria: ICSL Variant Classification Criteria 13 December 2019. Collection method: clinical testing. Allele origin: germline.

Ambry Genetics
Classification: Uncertain significance for Primary ciliary dyskinesia. Last evaluated: 2015-07-30. Review status: criteria provided, single submitter. Criteria: Ambry Variant Classification Scheme 2023. Collection method: clinical testing. Allele origin: germline.
Comment: The p.R4592Q variant (also known as c.13775G>A), located in coding exon 79 of the DNAH5 gene, results from a G to A substitution at nucleotide position 13775. The arginine at codon 4592 is replaced by glutamine, an amino acid with highly similar properties. This variant was previously reported in the SNPDatabase as rs367709427. Based on data from the NHLBI Exome Sequencing Project (ESP), the A allele has an overall frequency of approximately 0.02% (2/13006) total alleles studied, having been observed in 0.02% (1/4406) African American alleles and 0.01% (1/8600) European American alleles. This amino acid position is highly conserved in available vertebrate species. In addition, the in silico prediction for this alteration is inconclusive. Since clinical data on this variant is limited at this time, its clinical significance is unclear.

Natera, Inc.
Classification: Uncertain significance for Primary ciliary dyskinesia. Last evaluated: 2020-02-21. Review status: no assertion criteria provided. Collection method: clinical testing. Allele origin: germline. Not counted in ClinVar's aggregate classification.

Counsyl
Classification: Uncertain significance for Primary ciliary dyskinesia 3. Last evaluated: 2017-11-03. Review status: no assertion criteria provided. Collection method: clinical testing. Allele origin: unknown. Not counted in ClinVar's aggregate classification.